The following is an entry in ClinVar:

NM_006904.7(PRKDC):c.3575A>G (p.Tyr1192Cys)

Gene: PRKDC (protein kinase, DNA-activated, catalytic subunit; minus strand). Cytogenetic location: 8q11.21.
Variant type: single nucleotide variant.
Coding change: c.3575A>G on transcript NM_006904.7 (MANE Select); coding-DNA position 3575, A replaced by G.
Protein change: p.Tyr1192Cys; replaces tyrosine 1192 with cysteine.
Molecular consequence: missense variant.
Genome position (GRCh38, 1-based): chr8:47,897,184, T>C on the plus strand (A>G on the coding strand, the complement: PRKDC is on the minus strand). VCF-style: chr8-47897184-T-C. GRCh37 (hg19) VCF-style: chr8-48809744-T-C.
Other names: c.3575A>G, p.Tyr1192Cys (NM_001081640.2); short protein forms Y1192C.
Identifiers: ClinVar variation 1732823 (VCV001732823.2), dbSNP rs2551874772, ClinGen allele CA371153343.

ClinVar aggregate classification (germline): Uncertain significance (1 of 4 stars; one submission).

Allele frequency attached by ClinVar (database versions not stated): gnomAD exomes below 0.00001.
gnomAD v4.1: 1 of 1,602,256 alleles (0.000062%); highest among the groups gnomAD compares: Non-Finnish European, 0.000085%; no homozygotes.

Submission:

Ambry Genetics
Classification: Uncertain significance. Last evaluated: 2022-01-17. Review status: criteria provided, single submitter. Criteria: Ambry Variant Classification Scheme 2023. Collection method: clinical testing. Allele origin: germline.
Comment: The p.Y1192C variant (also known as c.3575A>G), located in coding exon 30 of the PRKDC gene, results from an A to G substitution at nucleotide position 3575. The tyrosine at codon 1192 is replaced by cysteine, an amino acid with highly dissimilar properties. This amino acid position is conserved. In addition, the in silico prediction for this alteration is inconclusive. Since supporting evidence is limited at this time, the clinical significance of this alteration remains unclear.